The following is an entry in ClinVar:

ClinVar aggregate classification (germline): Uncertain significance. Review status: criteria provided, single submitter (1 of 4 stars). 2 submissions from 2 submitters: Uncertain significance (1). 1 of the submissions does not count toward it. Last evaluated 2023-01-17.

Conditions:
Cystic fibrosis (CF). Also called: MUCOVISCIDOSIS. Identifiers: Orphanet 586, MedGen C0010674, MONDO:0009061, OMIM 219700. Disease mechanism: loss of function.
CFTR-related disorder (CFTR-RD). Also called: CFTR-related disorders; CFTR-related condition. Identifiers: MedGen C5924204, MONDO:7770004.

Allele frequency attached by ClinVar (database versions not stated): TOPMed 0.00001; gnomAD 0.00001; ExAC 0.00001.
gnomAD v4.1: 2 of 1,613,856 alleles (0.00012%); highest among the groups gnomAD compares: African/African-American, 0.0027%; no homozygotes.

Submissions (2):

Ambry Genetics
Classification: Uncertain significance for Cystic fibrosis. Last evaluated: 2023-01-17. Review status: criteria provided, single submitter. Criteria: Ambry Variant Classification Scheme 2023. Collection method: clinical testing. Allele origin: germline.
Comment: The p.I1328M variant (also known as c.3984A>G), located in coding exon 25 of the CFTR gene, results from an A to G substitution at nucleotide position 3984. The isoleucine at codon 1328 is replaced by methionine, an amino acid with highly similar properties. This amino acid position is conserved. In addition, this alteration is predicted to be deleterious by in silico analysis. Since supporting evidence is limited at this time, the clinical significance of this alteration remains unclear.

PreventionGenetics, part of Exact Sciences
Classification: Uncertain significance for CFTR-related condition. Last evaluated: 2023-11-22. Review status: no assertion criteria provided. Collection method: clinical testing. Allele origin: germline. Not counted in ClinVar's aggregate classification.
Comment: The CFTR c.3984A>G variant is predicted to result in the amino acid substitution p.Ile1328Met. To our knowledge, this variant has not been reported in the literature. This variant is reported in 0.0062% of alleles in individuals of African descent in gnomAD. At this time, the clinical significance of this variant is uncertain due to the absence of conclusive functional and genetic evidence.

NM_000492.4(CFTR):c.3984A>G (p.Ile1328Met)

Gene: CFTR (CF transmembrane conductance regulator; plus strand). Cytogenetic location: 7q31.2.
Variant type: single nucleotide variant.
Coding change: c.3984A>G on transcript NM_000492.4 (MANE Select); coding-DNA position 3984, A replaced by G.
Protein change: p.Ile1328Met; replaces isoleucine 1328 with methionine.
Molecular consequence: missense variant.
Genome position (GRCh38, 1-based): chr7:117,664,708, A>G. VCF-style: chr7-117664708-A-G. GRCh37 (hg19) VCF-style: chr7-117304762-A-G.
Other names: short protein forms I1328M.
Identifiers: ClinVar variation 2447420 (VCV002447420.4), dbSNP rs755917129, ClinGen allele CA4451606.